The following is an entry in ClinVar:

ClinVar aggregate classification (germline): Benign (1 of 4 stars; one submission).

Allele frequency attached by ClinVar (database versions not stated): 1000 Genomes Project 30x 0.00125; 1000 Genomes Project 0.00160; ExAC 0.00465; gnomAD 0.00482; TOPMed 0.00493; ESP Exome Variant Server 0.00723; gnomAD exomes 0.00844.
gnomAD v4.1: 12,687 of 1,585,742 alleles (0.8%); highest among the groups gnomAD compares: Non-Finnish European, 1%; 73 homozygotes.

Submission:

CeGaT Center for Human Genetics Tuebingen
Classification: Benign. Last evaluated: 2026-05-01. Review status: criteria provided, single submitter. Criteria: CeGaT Center For Human Genetics Tuebingen Variant Classification Criteria Version 2. Collection method: clinical testing. Allele origin: germline. Affected: yes. Observed: 20 variant alleles.
Comment: PSMD12: BP4, BP7, BS1, BS2

NM_002816.5(PSMD12):c.1341C>A (p.Ala447=)

Gene: PSMD12 (proteasome 26S subunit, non-ATPase 12; minus strand). Cytogenetic location: 17q24.2.
Variant type: single nucleotide variant.
Coding change: c.1341C>A on transcript NM_002816.5 (MANE Select); coding-DNA position 1341, C replaced by A.
Protein change: p.Ala447=; no amino-acid change (alanine 447 retained).
Molecular consequence: synonymous variant.
Genome position (GRCh38, 1-based): chr17:67,340,873, G>T on the plus strand (C>A on the coding strand, the complement: PSMD12 is on the minus strand). VCF-style: chr17-67340873-G-T. GRCh37 (hg19) VCF-style: chr17-65336989-G-T.
Other names: c.1164C>A, p.Ala388= (NM_001316341.2); c.1281C>A, p.Ala427= (NM_174871.4).
Identifiers: ClinVar variation 1879380 (VCV001879380.29), dbSNP rs147249453, ClinGen allele CA8723554.
Genomic context (GRCh38, chr17:67,340,873, plus strand): 5'-TTTTAACTTTTTTCTAAAGCACTAAGACCCTTATTGTAGATTATGTATCATCTCCTCTTT[G>T]GCTATGAGATGCGTAGTTTTGTTAACCAGAGACATTAATGAGTTCAGTTTCTGAGACCAG-3'
Protein context (NP_002807.1, residues 437-456): SLVNKTTHLI[Ala447=]KEEMIHNLQ